The following is an entry in ClinVar:

ClinVar aggregate classification (germline): Conflicting classifications of pathogenicity. Review status: criteria provided, conflicting classifications (1 of 4 stars). 5 submissions from 5 submitters: Uncertain significance (1); Benign (1); Likely benign (2). 1 of the submissions does not count toward it. Last evaluated 2024-11-11.

Conditions:
Renal tubular dysgenesis. Also called: Renotubular dysgenesis. Identifiers: Orphanet 3033, MedGen C0266313, MONDO:0017609, HP:0008660.
AGT-related disorder. Also called: AGT-related condition.

Allele frequency attached by ClinVar (database versions not stated): TOPMed 0.00006; gnomAD 0.00007 and 0.00008; ExAC 0.00015.
gnomAD v4.1: 132 of 1,614,238 alleles (0.0082%); highest among the groups gnomAD compares: Middle Eastern, 0.049%; 1 homozygote.

Submissions (5):

Blueprint Genetics
Classification: Likely benign. Last evaluated: 2024-11-11. Review status: criteria provided, single submitter. Criteria: ACMG Guidelines, 2015. Collection method: clinical testing. Allele origin: germline.

Labcorp Genetics (formerly Invitae), Labcorp
Classification: Benign. Last evaluated: 2023-05-22. Review status: criteria provided, single submitter. Criteria: Invitae Variant Classification Sherloc (09022015). Collection method: clinical testing. Allele origin: germline.

CeGaT Center for Human Genetics Tuebingen
Classification: Likely benign. Last evaluated: 2022-10-01. Review status: criteria provided, single submitter. Criteria: CeGaT Center For Human Genetics Tuebingen Variant Classification Criteria Version 2. Collection method: clinical testing. Allele origin: germline. Affected: yes. Observed: 1 variant allele.
Comment: AGT: BP4, BP7

Illumina Laboratory Services, Illumina
Classification: Uncertain significance for Renal tubular dysgenesis of genetic origin. Last evaluated: 2018-01-13. Review status: criteria provided, single submitter. Criteria: ICSL Variant Classification Criteria 13 December 2019. Collection method: clinical testing. Allele origin: germline.

PreventionGenetics, part of Exact Sciences
Classification: Likely benign for AGT-related condition. Last evaluated: 2019-02-21. Review status: no assertion criteria provided. Collection method: clinical testing. Allele origin: germline. Not counted in ClinVar's aggregate classification.
Comment: This variant is classified as likely benign based on ACMG/AMP sequence variant interpretation guidelines (Richards et al. 2015 PMID: 25741868, with internal and published modifications).

NC_000001.11:g.230704229C>A

Gene: AGT (angiotensinogen; minus strand). Cytogenetic location: 1q42.2.
Variant type: single nucleotide variant.
Genome position: GRCh38 VCF-style: chr1-230704229-C-A. GRCh37 (hg19) VCF-style: chr1-230839975-C-A.
Other names: NM_000029.3:c.1233G>T.
Identifiers: ClinVar variation 876807 (VCV000876807.33), dbSNP rs573313754, ClinGen allele CA1448096.